The following is an entry in ClinVar:

ClinVar aggregate classification (germline): Uncertain significance (0 of 4 stars; one submission).

Conditions:
Malignant tumor of breast. Also called: Malignant breast neoplasm; Cancer breast. Identifiers: MedGen C0006142, MONDO:0007254. Disease mechanism: loss of function.

Submission:

Department of Pathology and Laboratory Medicine, Sinai Health System
Classification: Uncertain significance for Malignant tumor of breast. Review status: no assertion criteria provided. Collection method: clinical testing. Allele origin: unknown. Affected: yes. Study: The Canadian Open Genetics Repository (COGR).
Comment: The MSH6 p.Leu148= variant was not identified in the literature nor was it identified in the dbSNP, ClinVar, GeneInsight-COGR, Cosmic, MutDB, UMD-LSDB, Zhejiang Colon Cancer Database, Mismatch Repair Genes Variant Database, Insight Hereditary Tumors Database, the 1000 Genomes Project, the NHLBI GO Exome Sequencing Project, the Exome Aggregation Consortium (August 8th 2016), or the Genome Aggregation Database (Feb 27, 2017). The p.Leu148= variant is not expected to have clinical significance because it does not result in a change of amino acid and is not located in a known consensus splice site. In addition, in silico or computational prediction software programs (SpliceSiteFinder, MaxEntScan, NNSPLICE, GeneSplicer, HumanSpliceFinder) do not predict a difference in splicing. In summary, based on the above information the clinical significance of this variant cannot be determined with certainty at this time. This variant is classified as a variant of uncertain significance.

NM_000179.3(MSH6):c.442T>C (p.Leu148=)

Gene: MSH6 (mutS homolog 6; plus strand). Cytogenetic location: 2p16.3.
Variant type: single nucleotide variant.
Coding change: c.442T>C on transcript NM_000179.3 (MANE Select); coding-DNA position 442, T replaced by C.
Protein change: p.Leu148=; no amino-acid change (leucine 148 retained).
Molecular consequence: synonymous variant. On other transcripts: 5 prime UTR variant (2), intron variant (1).
Genome position (GRCh38, 1-based): chr2:47,791,108, T>C. VCF-style: chr2-47791108-T-C. GRCh37 (hg19) VCF-style: chr2-48018247-T-C.
Other names: c.-295T>C (NM_001281493.2); c.-461T>C (NM_001281494.2); c.238-7503T>C (NM_001281492.2).
Identifiers: ClinVar variation 1050252 (VCV001050252.2), dbSNP rs2104111846, ClinGen allele CA425989580.